The following is an entry in ClinVar:

ClinVar aggregate classification (germline): Pathogenic (1 of 4 stars; one submission).

Conditions:
Familial X-linked hypophosphatemic vitamin D refractory rickets (XLHRD). Also called: Hypophosphatemic Rickets, X-Linked Dominant; X-Linked Hypophosphatemia; Hypophosphatemia, vitamin D-resistant rickets; Vitamin D-resistant rickets, X-linked; HYPOPHOSPHATEMIC VITAMIN D-RESISTANT RICKETS. Identifiers: Orphanet 89936, MedGen C0733682, MONDO:0010619, OMIM 307800.

Submission:

Institute of Human Genetics, University of Leipzig Medical Center
Classification: Pathogenic for Familial X-linked hypophosphatemic vitamin D refractory rickets. Last evaluated: 2026-01-22. Review status: criteria provided, single submitter. Criteria: ACMG Guidelines, 2015. Collection method: clinical testing. Allele origin: unknown. Inheritance: X-linked dominant inheritance. Affected: yes.
Comment: Criteria applied: PVS1,PM2

NM_000444.6(PHEX):c.1899+2T>C

Genes: PHEX (phosphate regulating endopeptidase X-linked; plus strand), PTCHD1-AS (PTCHD1 and PHEX antisense RNA; minus strand). Cytogenetic location: Xp22.11.
Variant type: single nucleotide variant.
Coding change: c.1899+2T>C on transcript NM_000444.6 (MANE Select); the canonical splice donor site of the intron after coding-DNA position 1899, T replaced by C.
Molecular consequence: splice donor variant.
Genome position (GRCh38, 1-based): chrX:22,221,745, T>C. VCF-style: chrX-22221745-T-C. GRCh37 (hg19) VCF-style: chrX-22239862-T-C.
Other names: c.1899+2T>C (NM_001282754.2).
Identifiers: ClinVar variation 4819119 (VCV004819119.1).